The following is an entry in ClinVar:

NM_004082.5(DCTN1):c.3700G>A (p.Ala1234Thr)

Gene: DCTN1 (dynactin subunit 1; minus strand). Cytogenetic location: 2p13.1.
Variant type: single nucleotide variant.
Coding change: c.3700G>A on transcript NM_004082.5 (MANE Select); coding-DNA position 3700, G replaced by A.
Protein change: p.Ala1234Thr; replaces alanine 1234 with threonine.
Molecular consequence: missense variant. On other transcripts: non-coding transcript variant (1).
Genome position (GRCh38, 1-based): chr2:74,361,636, C>T on the plus strand (G>A on the coding strand, the complement: DCTN1 is on the minus strand). VCF-style: chr2-74361636-C-T. GRCh37 (hg19) VCF-style: chr2-74588763-C-T.
Other names: c.3625G>A, p.Ala1209Thr (NM_001135040.3); c.3283G>A, p.Ala1095Thr (NM_001135041.3); c.3574G>A, p.Ala1192Thr (NM_001190836.2); c.3679G>A, p.Ala1227Thr (NM_001190837.2); c.3649G>A, p.Ala1217Thr (NM_001378991.1); c.3631G>A, p.Ala1211Thr (NM_001378992.1); c.3298G>A, p.Ala1100Thr (NM_023019.4); short protein forms A1227T, A1100T, A1211T, A1217T, A1095T, A1192T, A1209T, A1234T.
Identifiers: ClinVar variation 4794679 (VCV004794679.1).

ClinVar aggregate classification (germline): Uncertain significance (1 of 4 stars; one submission).

Conditions:
Amyotrophic lateral sclerosis type 1 (ALS1). Also called: AMYOTROPHIC LATERAL SCLEROSIS 1, FAMILIAL. Identifiers: Orphanet 803, MedGen C1862939, MONDO:0007103, OMIM 105400.
Neuronopathy, distal hereditary motor, type 7B. Also called: NEURONOPATHY, DISTAL HEREDITARY MOTOR, AUTOSOMAL DOMINANT 14; NEURONOPATHY, DISTAL HEREDITARY MOTOR, HARDING TYPE VIIB; NEUROPATHY, DISTAL HEREDITARY MOTOR, HARDING TYPE VIIB; NEUROPATHY, DISTAL HEREDITARY MOTOR, WITH VOCAL CORD PARALYSIS, HARDING TYPE VIIB; HMN VIIB; LOWER MOTOR NEURON DISEASE, DYNACTIN TYPE. Identifiers: Orphanet 139589, MedGen C1843315, MONDO:0011879, OMIM 607641.
Perry syndrome. Also called: PARKINSONISM WITH ALVEOLAR HYPOVENTILATION AND MENTAL DEPRESSION. Identifiers: Orphanet 178509, MedGen C1868594, MONDO:0008201, OMIM 168605.

gnomAD v4.1: 3 of 1,613,960 alleles (0.00019%); highest among the groups gnomAD compares: Admixed American, 0.0017%; no homozygotes.

Submission:

Labcorp Genetics (formerly Invitae), Labcorp
Classification: Uncertain significance for Amyotrophic lateral sclerosis type 1; Neuronopathy, distal hereditary motor, type 7B; Perry syndrome. Last evaluated: 2025-08-13. Review status: criteria provided, single submitter. Criteria: Invitae Variant Classification Sherloc (09022015). Collection method: clinical testing. Allele origin: germline.
Comment: This sequence change replaces alanine, which is neutral and non-polar, with threonine, which is neutral and polar, at codon 1234 of the DCTN1 protein (p.Ala1234Thr). This variant is present in population databases (rs778421133, gnomAD 0.003%). This missense change has been observed in individual(s) with amyotrophic lateral sclerosis (PMID: 35896380). This variant is also known as c.3574G>A (p.A1192T). Invitae Evidence Modeling of protein sequence and biophysical properties (such as structural, functional, and spatial information, amino acid conservation, physicochemical variation, residue mobility, and thermodynamic stability) indicates that this missense variant is not expected to disrupt DCTN1 protein function with a negative predictive value of 95%. In summary, the available evidence is currently insufficient to determine the role of this variant in disease. Therefore, it has been classified as a Variant of Uncertain Significance.

Literature cited by the submitters: PubMed 35896380.